The following is an entry in ClinVar:

ClinVar aggregate classification (germline): Pathogenic/Likely pathogenic. Review status: criteria provided, multiple submitters, no conflicts (2 of 4 stars). 8 submissions from 8 submitters: Pathogenic (6); Likely pathogenic (1). 1 of the submissions does not count toward it. Last evaluated 2026-05-29.

Conditions:
VPS13B-related disorder. Also called: VPS13B-related condition.
Inborn genetic diseases. Identifiers: MedGen C0950123, MeSH D030342.
Cohen syndrome (COH1). Also called: PEPPER SYNDROME; Cutis verticis gyrata, retinitis pigmentosa, and sensorineural deafness. Identifiers: Orphanet 193, MedGen C0265223, MONDO:0008999, OMIM 216550.
Retinal disorder. Also called: Retinopathy; Retinopathies; Retinal Diseases; Retinal disorders. Identifiers: MedGen C0035309, MONDO:0005283, HP:0000488.

Submissions (8):

Genetics Laboratory, Great Ormond Street Hospital NHS Foundation Trust, North Thames Genomic Laboratory Hub
Classification: Pathogenic for Retinal disorders. Last evaluated: 2026-05-29. Review status: criteria provided, single submitter. Criteria: ACGS Best Practice Guidelines for Variant Classification in Rare Disease 2024 v1.2. Collection method: clinical testing. Allele origin: germline. Affected: yes.
Comment: PS4_supporting, PM2_moderate, PVS1_very-strong

Genomic Medicine Center of Excellence, King Faisal Specialist Hospital and Research Centre
Classification: Pathogenic for Cohen syndrome. Last evaluated: 2025-01-04. Review status: criteria provided, single submitter. Criteria: ACMG Guidelines, 2015. Collection method: clinical testing. Allele origin: germline.

Fulgent Genetics
Classification: Pathogenic for Cohen syndrome. Last evaluated: 2024-06-16. Review status: criteria provided, single submitter. Criteria: ACMG Guidelines, 2015. Collection method: clinical testing. Allele origin: germline.

GeneDx
Classification: Pathogenic. Last evaluated: 2024-06-05. Review status: criteria provided, single submitter. Criteria: GeneDx Variant Classification Process June 2021. Collection method: clinical testing. Allele origin: germline. Affected: yes.
Comment: Frameshift variant predicted to result in protein truncation or nonsense mediated decay in a gene for which loss of function is a known mechanism of disease; Not observed at significant frequency in large population cohorts (gnomAD); This variant is associated with the following publications: (PMID: 15141358)

Labcorp Genetics (formerly Invitae), Labcorp
Classification: Pathogenic for Cohen syndrome. Last evaluated: 2023-07-07. Review status: criteria provided, single submitter. Criteria: Invitae Variant Classification Sherloc (09022015). Collection method: clinical testing. Allele origin: germline.
Comment: For these reasons, this variant has been classified as Pathogenic. ClinVar contains an entry for this variant (Variation ID: 56668). This variant is also known as c.463_466delATAA. This premature translational stop signal has been observed in individual(s) with Cohen syndrome (PMID: 15141358). This variant is present in population databases (rs386834090, gnomAD 0.002%). This sequence change creates a premature translational stop signal (p.Asn156Ilefs*4) in the VPS13B gene. It is expected to result in an absent or disrupted protein product. Loss-of-function variants in VPS13B are known to be pathogenic (PMID: 15141358, 16648375, 20461111).

Blueprint Genetics
Classification: Likely pathogenic for VPS13B-related disorders. Last evaluated: 2023-06-21. Review status: criteria provided, single submitter. Criteria: ACMG Guidelines, 2015. Collection method: clinical testing. Allele origin: germline. Affected: yes. Observed: 1 variant allele.

Ambry Genetics
Classification: Pathogenic for Inborn genetic diseases. Last evaluated: 2020-06-16. Review status: criteria provided, single submitter. Criteria: Ambry Variant Classification Scheme 2023. Collection method: clinical testing. Allele origin: germline.
Comment: The c.467_470delATAA variant, located in coding exon 4 of the VPS13B gene, results from a deletion of 4 nucleotides at nucleotide positions 467 to 470, causing a translational frameshift with a predicted alternate stop codon (p.N156Ifs*4). This alteration was detected in a homozygous state in an individual with Cohen Syndrome (Kolehmainen J et al. Am. J. Hum. Genet., 2004 Jul;75:122-7). In addition to the clinical data presented in the literature, this alteration is expected to result in loss of function by premature protein truncation or nonsense-mediated mRNA decay. As such, this alteration is interpreted as a disease-causing mutation.

Juha Muilu Group; Institute for Molecular Medicine Finland (FIMM)
Classification: Likely pathogenic for Cohen syndrome. Review status: no assertion criteria provided. Collection method: not provided. Allele origin: unknown. Not counted in ClinVar's aggregate classification.
Comment: FinDis database variant: This variant was not found or characterized by our laboratory, data were collected from public sources: see reference
ClinVar note: Converted during submission from probable-pathogenic to Likely pathogenic.

Literature cited by the submitters: PubMed 15141358 (cited by Labcorp Genetics (formerly Invitae), Labcorp and Ambry Genetics); PubMed 16648375 (cited by Labcorp Genetics (formerly Invitae), Labcorp); PubMed 20461111 (cited by Labcorp Genetics (formerly Invitae), Labcorp).

NM_152564.5(VPS13B):c.467_470del (p.Asn156fs)

Gene: VPS13B (vacuolar protein sorting 13 homolog B; plus strand). Cytogenetic location: 8q22.2.
Variant type: Microsatellite.
Coding change: c.467_470del on transcript NM_152564.5 (MANE Select); coding-DNA positions 467 to 470, 4 bases deleted (ATAA; older notation c.467_470delATAA).
Protein change: p.Asn156fs; shifts the reading frame from asparagine 156.
Molecular consequence: frameshift variant. On other transcripts: non-coding transcript variant (1).
Genome position (GRCh38, 1-based): chr8:99,103,007-99,103,010, ATAA deleted; deleting any 4 consecutive bases within chr8:99,103,003-99,103,010 gives the same sequence; the c. name uses the placement nearest the transcript's 3' end. VCF-style (leftmost placement, unchanged base first): chr8-99103002-GATAA-G. GRCh37 (hg19) VCF-style: chr8-100115230-GATAA-G.
Other names: c.467_470del, p.Asn156fs (NM_015243.3, NM_017890.5, NM_181661.3); c.467_470delATAA (NM_017890.4); c.467_470del (NM_017890.3, NM_017890.4); short protein forms N156fs.
Identifiers: ClinVar variation 56668 (VCV000056668.16), dbSNP rs386834090, ClinGen allele CA264086.